The following is an entry in ClinVar:

ClinVar aggregate classification (germline): Uncertain significance. Review status: criteria provided, multiple submitters, no conflicts (2 of 4 stars). 2 submissions from 2 submitters: Uncertain significance (2). Last evaluated 2025-08-23.

Conditions:
Primary ciliary dyskinesia 6. Also called: Primary Ciliary Dyskinesia 6: TXNDC3-Related Primary Ciliary Dyskinesia. Identifiers: Orphanet 244, MedGen C1970506, MONDO:0012571, OMIM 610852.
Primary ciliary dyskinesia. Also called: Ciliary dyskinesia. Identifiers: Orphanet 244, MedGen C0008780, MONDO:0016575, HP:0012265.

gnomAD v4.1: 3 of 1,613,688 alleles (0.00019%); highest among the groups gnomAD compares: Admixed American, 0.0017%; no homozygotes.

Submissions (2):

Ambry Genetics
Classification: Uncertain significance for Primary ciliary dyskinesia. Last evaluated: 2025-08-23. Review status: criteria provided, single submitter. Criteria: Ambry Variant Classification Scheme 2023. Collection method: clinical testing. Allele origin: germline.

Labcorp Genetics (formerly Invitae), Labcorp
Classification: Uncertain significance for Primary ciliary dyskinesia 6. Last evaluated: 2025-04-17. Review status: criteria provided, single submitter. Criteria: Invitae Variant Classification Sherloc (09022015). Collection method: clinical testing. Allele origin: germline.
Comment: This sequence change replaces lysine, which is basic and polar, with asparagine, which is neutral and polar, at codon 109 of the NME8 protein (p.Lys109Asn). This variant is present in population databases (rs768937346, gnomAD 0.003%). This variant has not been reported in the literature in individuals affected with NME8-related conditions. Invitae Evidence Modeling of protein sequence and biophysical properties (such as structural, functional, and spatial information, amino acid conservation, physicochemical variation, residue mobility, and thermodynamic stability) indicates that this missense variant is not expected to disrupt NME8 protein function with a negative predictive value of 80%. In summary, the available evidence is currently insufficient to determine the role of this variant in disease. Therefore, it has been classified as a Variant of Uncertain Significance.

NM_016616.5(NME8):c.327A>C (p.Lys109Asn)

Gene: NME8 (NME/NM23 family member 8; plus strand). Cytogenetic location: 7p14.1.
Variant type: single nucleotide variant.
Coding change: c.327A>C on transcript NM_016616.5 (MANE Select); coding-DNA position 327, A replaced by C.
Protein change: p.Lys109Asn; replaces lysine 109 with asparagine.
Molecular consequence: missense variant.
Genome position (GRCh38, 1-based): chr7:37,862,084, A>C. VCF-style: chr7-37862084-A-C. GRCh37 (hg19) VCF-style: chr7-37901686-A-C.
Other names: short protein forms K109N.
Identifiers: ClinVar variation 4120927 (VCV004120927.2).